The following is an entry in ClinVar:

ClinVar aggregate classification (germline): Pathogenic (1 of 4 stars; one submission).

Conditions:
Familial adenomatous polyposis 1 (FAP1). Also called: FAMILIAL ADENOMATOUS POLYPOSIS 1, ATTENUATED; POLYPOSIS, ADENOMATOUS INTESTINAL. Identifiers: MedGen C2713442, MONDO:0021056, OMIM 175100. Disease mechanism: loss of function.

Submission:

Myriad Genetics, Inc.
Classification: Pathogenic for Familial adenomatous polyposis 1. Last evaluated: 2023-05-12. Review status: criteria provided, single submitter. Criteria: Myriad Autosomal Dominant, Autosomal Recessive and X-Linked Classification Criteria (2023). Collection method: clinical testing. Allele origin: unknown.
Comment: This variant is considered pathogenic. This variant creates a frameshift predicted to result in premature protein truncation.

NM_000038.6(APC):c.4943_4944del (p.Pro1648fs)

Gene: APC (APC regulator of Wnt signaling pathway; plus strand). Cytogenetic location: 5q22.2.
Variant type: Deletion.
Coding change: c.4943_4944del on transcript NM_000038.6 (MANE Select); coding-DNA positions 4943 to 4944, 2 bases deleted (CT; older notation c.4943_4944delCT).
Protein change: p.Pro1648fs; shifts the reading frame from proline 1648.
Molecular consequence: frameshift variant. On other transcripts: non-coding transcript variant (2).
Genome position (GRCh38, 1-based): chr5:112,840,537-112,840,538, CT deleted. VCF-style (leftmost placement, unchanged base first): chr5-112840536-CCT-C. GRCh37 (hg19) VCF-style: chr5-112176233-CCT-C.
Other names: c.4670_4671del, p.Pro1557fs (NM_001354902.2); c.4565_4566del, p.Pro1522fs (NM_001354904.2); c.4463_4464del, p.Pro1488fs (NM_001354905.2); c.4094_4095del, p.Pro1365fs (NM_001354906.2, NM_001407470.1); c.4640_4641del, p.Pro1547fs (NM_001354903.2, NM_001407458.1, NM_001407459.1 and 1 more transcripts); c.4943_4944del, p.Pro1648fs (NM_001127510.3, NM_001354895.2, NM_001407450.1); c.4889_4890del, p.Pro1630fs (NM_001127511.3); c.4997_4998del, p.Pro1666fs (NM_001354896.2, NM_001407447.1, NM_001407448.1 and 1 more transcripts); and 11 more; short protein forms P1264fs, P1365fs, P1488fs, P1519fs, P1522fs, P1547fs, P1557fs, P1565fs.
Identifiers: ClinVar variation 2583999 (VCV002583999.1), dbSNP rs2533609905, ClinGen allele CA2582341398.